The following is an entry in ClinVar:

ClinVar aggregate classification (germline): Likely benign (1 of 4 stars; one submission).

gnomAD v4.1: 1 of 1,613,972 alleles (0.000062%); highest among the groups gnomAD compares: Non-Finnish European, 0.000085%; no homozygotes.

Submission:

CeGaT Center for Human Genetics Tuebingen
Classification: Likely benign. Last evaluated: 2025-08-01. Review status: criteria provided, single submitter. Criteria: CeGaT Center For Human Genetics Tuebingen Variant Classification Criteria Version 2. Collection method: clinical testing. Allele origin: germline. Affected: yes. Observed: 1 variant allele.
Comment: POLR3A: BP4, BP7

NM_007055.4(POLR3A):c.3636C>T (p.Ile1212=)

Gene: POLR3A (RNA polymerase III subunit A; minus strand). Cytogenetic location: 10q22.3.
Variant type: single nucleotide variant.
Coding change: c.3636C>T on transcript NM_007055.4 (MANE Select); coding-DNA position 3636, C replaced by T.
Protein change: p.Ile1212=; no amino-acid change (isoleucine 1212 retained).
Molecular consequence: synonymous variant.
Genome position (GRCh38, 1-based): chr10:77,982,277, G>A on the plus strand (C>T on the coding strand, the complement: POLR3A is on the minus strand). VCF-style: chr10-77982277-G-A. GRCh37 (hg19) VCF-style: chr10-79742035-G-A.
Identifiers: ClinVar variation 4084350 (VCV004084350.8).